The following is an entry in ClinVar:

NM_004525.3(LRP2):c.7054G>A (p.Gly2352Arg)

Gene: LRP2 (LDL receptor related protein 2; minus strand). Cytogenetic location: 2q31.1.
Variant type: single nucleotide variant.
Coding change: c.7054G>A on transcript NM_004525.3 (MANE Select); coding-DNA position 7054, G replaced by A.
Protein change: p.Gly2352Arg; replaces glycine 2352 with arginine.
Molecular consequence: missense variant.
Genome position (GRCh38, 1-based): chr2:169,206,666, C>T on the plus strand (G>A on the coding strand, the complement: LRP2 is on the minus strand). VCF-style: chr2-169206666-C-T. GRCh37 (hg19) VCF-style: chr2-170063176-C-T.
Other names: short protein forms G2352R.
Identifiers: ClinVar variation 2980986 (VCV002980986.4), dbSNP rs545239223, ClinGen allele CA59934082.

ClinVar aggregate classification (germline): Uncertain significance. Review status: criteria provided, multiple submitters, no conflicts (2 of 4 stars). 2 submissions from 2 submitters: Uncertain significance (2). Last evaluated 2025-05-17.

Conditions:
Donnai-Barrow syndrome. Also called: DBS/FOAR SYNDROME; FACIOOCULOACOUSTICORENAL SYNDROME. Identifiers: Orphanet 2143, MedGen C1857277, MONDO:0009104, OMIM 222448.

Allele frequency attached by ClinVar (database versions not stated): TOPMed 0.00002.
gnomAD v4.1: 4 of 1,614,116 alleles (0.00025%); highest among the groups gnomAD compares: Admixed American, 0.0017%; no homozygotes.

Submissions (2):

Labcorp Genetics (formerly Invitae), Labcorp
Classification: Uncertain significance. Last evaluated: 2025-05-17. Review status: criteria provided, single submitter. Criteria: Invitae Variant Classification Sherloc (09022015). Collection method: clinical testing. Allele origin: germline.
Comment: This sequence change replaces glycine, which is neutral and non-polar, with arginine, which is basic and polar, at codon 2352 of the LRP2 protein (p.Gly2352Arg). This variant is not present in population databases (gnomAD no frequency). This variant has not been reported in the literature in individuals affected with LRP2-related conditions. ClinVar contains an entry for this variant (Variation ID: 2980986). Invitae Evidence Modeling of protein sequence and biophysical properties (such as structural, functional, and spatial information, amino acid conservation, physicochemical variation, residue mobility, and thermodynamic stability) indicates that this missense variant is expected to disrupt LRP2 protein function with a positive predictive value of 95%. Algorithms developed to predict the effect of sequence changes on RNA splicing suggest that this variant may create or strengthen a splice site. In summary, the available evidence is currently insufficient to determine the role of this variant in disease. Therefore, it has been classified as a Variant of Uncertain Significance.

Fulgent Genetics
Classification: Uncertain significance for Donnai-Barrow syndrome. Last evaluated: 2024-05-27. Review status: criteria provided, single submitter. Criteria: ACMG Guidelines, 2015. Collection method: clinical testing. Allele origin: germline.